The following is an entry in ClinVar:

NM_001378454.1(ALMS1):c.1757del (p.Gln586fs)

Gene: ALMS1 (ALMS1 centrosome and basal body associated protein; plus strand). Cytogenetic location: 2p13.1.
Variant type: Deletion.
Coding change: c.1757del on transcript NM_001378454.1 (MANE Select); coding-DNA position 1757, one base deleted (A; older notation c.1757delA).
Protein change: p.Gln586fs; shifts the reading frame from glutamine 586.
Molecular consequence: frameshift variant.
Genome position (GRCh38, 1-based): chr2:73,448,284, A deleted. VCF-style (leftmost placement, unchanged base first): chr2-73448283-CA-C. GRCh37 (hg19) VCF-style: chr2-73675410-CA-C.
Other names: c.1760del, p.Gln587fs (NM_015120.4); short protein forms Q586fs, Q587fs.
Identifiers: ClinVar variation 3640261 (VCV003640261.2).
Genomic context (GRCh38, chr2:73,448,283, plus strand): 5'-GCAACACCAACAGTACTCTCTAGTTCCCACTCACATAGGGGGAAGCCCAGCATTTTCTAC[CA>C]GCAGGGCTTGCCAGACAGTCATCTAACTGAAGAGGCTTTGAAAGTTTCAGCTGCTCCTGG-3'

ClinVar aggregate classification (germline): Pathogenic (1 of 4 stars; one submission).

Conditions:
Alstrom syndrome (ALMS). Identifiers: Orphanet 64, MedGen C0268425, MONDO:0008763, OMIM 203800.

Submission:

Labcorp Genetics (formerly Invitae), Labcorp
Classification: Pathogenic for Alstrom syndrome. Last evaluated: 2024-05-20. Review status: criteria provided, single submitter. Criteria: Invitae Variant Classification Sherloc (09022015). Collection method: clinical testing. Allele origin: germline.
Comment: This sequence change creates a premature translational stop signal (p.Gln587Argfs*9) in the ALMS1 gene. It is expected to result in an absent or disrupted protein product. Loss-of-function variants in ALMS1 are known to be pathogenic (PMID: 17594715). This variant is not present in population databases (gnomAD no frequency). This variant has not been reported in the literature in individuals affected with ALMS1-related conditions. For these reasons, this variant has been classified as Pathogenic.

Literature cited by the submitters: PubMed 17594715.